The following is an entry in ClinVar:

NM_006035.4(CDC42BPB):c.5012C>T (p.Ser1671Leu)

Gene: CDC42BPB (CDC42 binding protein kinase beta; minus strand). Cytogenetic location: 14q32.32.
Variant type: single nucleotide variant.
Coding change: c.5012C>T on transcript NM_006035.4 (MANE Select); coding-DNA position 5012, C replaced by T.
Protein change: p.Ser1671Leu; replaces serine 1671 with leucine.
Molecular consequence: missense variant.
Genome position (GRCh38, 1-based): chr14:102,933,836, G>A on the plus strand (C>T on the coding strand, the complement: CDC42BPB is on the minus strand). VCF-style: chr14-102933836-G-A. GRCh37 (hg19) VCF-style: chr14-103400173-G-A.
Other names: c.4934C>T, p.Ser1645Leu (NM_001411054.1); short protein forms S1645L, S1671L.
Identifiers: ClinVar variation 3336342 (VCV003336342.2).

ClinVar aggregate classification (germline): Uncertain significance. Review status: criteria provided, multiple submitters, no conflicts (2 of 4 stars). 2 submissions from 2 submitters: Uncertain significance (2). Last evaluated 2025-12-10.

Conditions:
Chilton-Okur-Chung neurodevelopmental syndrome (CHOCNS). Identifiers: MedGen C5677022, MONDO:0859239, OMIM 619841.

gnomAD v4.1: 37 of 1,519,588 alleles (0.0024%); highest among the groups gnomAD compares: Non-Finnish European, 0.003%; no homozygotes.

Submissions (2):

Clinical Genomics Laboratory, Washington University in St. Louis
Classification: Uncertain significance for Chilton-Okur-Chung neurodevelopmental syndrome. Last evaluated: 2025-12-10. Review status: criteria provided, single submitter. Criteria: ACMG Guidelines, 2015. Collection method: clinical testing. Allele origin: germline.
Comment: The CDC42BPB c.5012C>T (p.Ser1671Leu) variant, to our knowledge, has not been reported in the medical literature but has been reported in the ClinVar database as a germline variant of uncertain significance by a single submitter. The highest population minor allele frequency in the population database genome aggregation database (v.4.1.0) is 0.003% in the African and European non-Finnish populations, which is higher than the incidence of disease. Computational predictors indicate that the variant is damaging, evidence that correlates with impact on CDC42BPB function. Due to limited information, and based on ACMG/AMP guidelines for variant interpretation (Richards S et al., PMID: 25741868), the clinical significance of this variant is uncertain at this time.

Women's Health and Genetics/Laboratory Corporation of America, LabCorp
Classification: Uncertain significance. Last evaluated: 2024-05-28. Review status: criteria provided, single submitter. Criteria: LabCorp Variant Classification Summary - May 2015. Collection method: clinical testing. Allele origin: germline.
Comment: Variant summary: CDC42BPB c.5012C>T (p.Ser1671Leu) results in a non-conservative amino acid change in the encoded protein sequence. Four of five in-silico tools predict a damaging effect of the variant on protein function. The frequency data for this variant in gnomAD is considered unreliable, as metrics indicate poor data quality at this position. To our knowledge, no occurrence of c.5012C>T in individuals affected with Chilton-Okur Neurodevelopmental Syndrome and no experimental evidence demonstrating its impact on protein function have been reported. No submitters have cited clinical-significance assessments for this variant to ClinVar. Based on the evidence outlined above, the variant was classified as uncertain significance.